The following is an entry in ClinVar:

NM_133433.4(NIPBL):c.3648G>A (p.Met1216Ile)

Gene: NIPBL (NIPBL cohesin loading factor; plus strand). Cytogenetic location: 5p13.2.
Variant type: single nucleotide variant.
Coding change: c.3648G>A on transcript NM_133433.4 (MANE Select); coding-DNA position 3648, G replaced by A.
Protein change: p.Met1216Ile; replaces methionine 1216 with isoleucine.
Molecular consequence: missense variant.
Genome position (GRCh38, 1-based): chr5:37,001,062, G>A. VCF-style: chr5-37001062-G-A. GRCh37 (hg19) VCF-style: chr5-37001164-G-A.
Other names: c.3648G>A, p.Met1216Ile (NM_015384.5); short protein forms M1216I.
Identifiers: ClinVar variation 3605294 (VCV003605294.2).

ClinVar aggregate classification (germline): Uncertain significance (1 of 4 stars; one submission).

Conditions:
Cornelia de Lange syndrome 1 (CDLS1). Also called: TYPUS DEGENERATIVUS AMSTELODAMENSIS; Brachmann de Lange syndrome; NIPBL-Related Cornelia de Lange Syndrome. Identifiers: Orphanet 199, MedGen C4551851, MONDO:0007387, OMIM 122470.

Submission:

Labcorp Genetics (formerly Invitae), Labcorp
Classification: Uncertain significance for Cornelia de Lange syndrome 1. Last evaluated: 2024-12-18. Review status: criteria provided, single submitter. Criteria: Invitae Variant Classification Sherloc (09022015). Collection method: clinical testing. Allele origin: germline.
Comment: This sequence change replaces methionine, which is neutral and non-polar, with isoleucine, which is neutral and non-polar, at codon 1216 of the NIPBL protein (p.Met1216Ile). This variant is present in population databases (no rsID available, gnomAD 0.01%). This variant has not been reported in the literature in individuals affected with NIPBL-related conditions. Invitae Evidence Modeling of protein sequence and biophysical properties (such as structural, functional, and spatial information, amino acid conservation, physicochemical variation, residue mobility, and thermodynamic stability) indicates that this missense variant is not expected to disrupt NIPBL protein function with a negative predictive value of 95%. In summary, the available evidence is currently insufficient to determine the role of this variant in disease. Therefore, it has been classified as a Variant of Uncertain Significance.